The following is an entry in ClinVar:

NC_000013.11:g.76992001G>C

Gene: CLN5 (CLN5 lysosomal BMP synthase; plus strand). Cytogenetic location: 13q22.3.
Variant type: single nucleotide variant.
Molecular consequence: missense variant (on NM_006493.2).
Genome position: GRCh38 VCF-style: chr13-76992001-G-C. GRCh37 (hg19) VCF-style: chr13-77566136-G-C.
Other names: c.50G>C, p.Gly17Ala (NM_006493.2).
Identifiers: ClinVar variation 420530 (VCV000420530.6), dbSNP rs769990158, ClinGen allele CA7007080.
Genomic context (GRCh38, chr13:76,992,001, plus strand): 5'-GGGGAGGTGTCATGCGCCGGAACCTGCGCTTGGGGCCAAGCTCTGGAGCTGACGCGCAGG[G>C]GCAAGGCGCCCCGCGTCCCGGACTGGCGGCTCCGCGCATGCTCCTCCCACCGGCGTCGCA-3'

ClinVar aggregate classification (germline): Uncertain significance. Review status: criteria provided, multiple submitters, no conflicts (2 of 4 stars). 3 submissions from 3 submitters: Uncertain significance (3). Last evaluated 2026-01-07.

Conditions:
Inborn genetic diseases. Identifiers: MedGen C0950123, MeSH D030342.
Neuronal ceroid lipofuscinosis. Also called: Neuronal Ceroid Lipofuscinoses. Identifiers: Orphanet 216, Orphanet 79263, MedGen C0027877, MONDO:0016295. Disease mechanism: loss of function.

Allele frequency attached by ClinVar (database versions not stated): TOPMed 0.00001.

Submissions (3):

Labcorp Genetics (formerly Invitae), Labcorp
Classification: Uncertain significance for Neuronal ceroid lipofuscinosis. Last evaluated: 2026-01-07. Review status: criteria provided, single submitter. Criteria: Invitae Variant Classification Sherloc (09022015). Collection method: clinical testing. Allele origin: germline.
Comment: This sequence change replaces glycine, which is neutral and non-polar, with alanine, which is neutral and non-polar, at codon 17 of the CLN5 protein (p.Gly17Ala). This variant is present in population databases (rs769990158, gnomAD 0.04%). This variant has not been reported in the literature in individuals affected with CLN5-related conditions. ClinVar contains an entry for this variant (Variation ID: 420530). An algorithm developed to predict the effect of missense changes on protein structure and function outputs the following: PolyPhen-2: "Possibly Damaging". The alanine amino acid residue is found in multiple mammalian species, which suggests that this missense change does not adversely affect protein function. In summary, the available evidence is currently insufficient to determine the role of this variant in disease. Therefore, it has been classified as a Variant of Uncertain Significance.

Ambry Genetics
Classification: Uncertain significance for Inborn genetic diseases. Last evaluated: 2019-08-27. Review status: criteria provided, single submitter. Criteria: Ambry Variant Classification Scheme 2023. Collection method: clinical testing. Allele origin: germline.
Comment: The p.G17A variant (also known as c.50G>C), located in coding exon 1 of the CLN5 gene, results from a G to C substitution at nucleotide position 50. The glycine at codon 17 is replaced by alanine, an amino acid with similar properties. This amino acid position is not well conserved in available vertebrate species, and alanine is the reference amino acid in other vertebrate species. In addition, this alteration is predicted to be tolerated by in silico analysis. Since supporting evidence is limited at this time, the clinical significance of this alteration remains unclear.

GeneDx
Classification: Uncertain significance. Last evaluated: 2016-03-02. Review status: criteria provided, single submitter. Criteria: GeneDx Variant Classification (06012015). Collection method: clinical testing. Allele origin: germline. Affected: yes.
Comment: A variant of uncertain significance has been identified in the CLN5 gene. The G17A variant has not been published as a pathogenic variant, nor has it been reported as a benign variant to our knowledge. It was not observed in approximately 5,800 individuals of European and African American ancestry in the NHLBI Exome Sequencing Project, indicating it is not a common benign variant in these populations. The G17A variant is a conservative amino acid substitution, which is not likely to impact secondary protein structure as these residues share similar properties. This substitution occurs at a position that is not conserved and is predicted to be within the signal peptide region of the CLN5 protein (Kousi et al., 2012). Additionally, in silico analysis predicts this variant likely does not alter the protein structure/function. Based on the currently available information, it is unclear whether this variant is a pathogenic variant or a rare benign variant.